The following is an entry in ClinVar:

NM_018192.4(P3H2):c.1519G>A (p.Glu507Lys)

Gene: P3H2 (prolyl 3-hydroxylase 2; minus strand). Cytogenetic location: 3q28.
Variant type: single nucleotide variant.
Coding change: c.1519G>A on transcript NM_018192.4 (MANE Select); coding-DNA position 1519, G replaced by A.
Protein change: p.Glu507Lys; replaces glutamic acid 507 with lysine.
Molecular consequence: missense variant.
Genome position (GRCh38, 1-based): chr3:189,973,938, C>T on the plus strand (G>A on the coding strand, the complement: P3H2 is on the minus strand). VCF-style: chr3-189973938-C-T. GRCh37 (hg19) VCF-style: chr3-189691727-C-T.
Other names: c.976G>A, p.Glu326Lys (NM_001134418.2); short protein forms E326K, E507K.
Identifiers: ClinVar variation 1025343 (VCV001025343.4), dbSNP rs1723264365, ClinGen allele CA355753675.

ClinVar aggregate classification (germline): Uncertain significance (1 of 4 stars; one submission).

Allele frequency attached by ClinVar (database versions not stated): gnomAD exomes 0.00001; TOPMed 0.00002.
gnomAD v4.1: 5 of 1,614,118 alleles (0.00031%); highest among the groups gnomAD compares: Non-Finnish European, 0.00042%; no homozygotes.

Submission:

Labcorp Genetics (formerly Invitae), Labcorp
Classification: Uncertain significance. Last evaluated: 2023-08-04. Review status: criteria provided, single submitter. Criteria: Invitae Variant Classification Sherloc (09022015). Collection method: clinical testing. Allele origin: germline.
Comment: In summary, the available evidence is currently insufficient to determine the role of this variant in disease. Therefore, it has been classified as a Variant of Uncertain Significance. Algorithms developed to predict the effect of sequence changes on RNA splicing suggest that this variant may disrupt the consensus splice site. Advanced modeling of protein sequence and biophysical properties (such as structural, functional, and spatial information, amino acid conservation, physicochemical variation, residue mobility, and thermodynamic stability) performed at Invitae indicates that this missense variant is not expected to disrupt P3H2 protein function. ClinVar contains an entry for this variant (Variation ID: 1025343). This variant has not been reported in the literature in individuals affected with P3H2-related conditions. This variant is not present in population databases (gnomAD no frequency). This sequence change replaces glutamic acid, which is acidic and polar, with lysine, which is basic and polar, at codon 507 of the P3H2 protein (p.Glu507Lys).